The following is an entry in ClinVar:

NM_022089.4(ATP13A2):c.1179del (p.Val394fs)

Gene: ATP13A2 (ATPase cation transporting 13A2; minus strand). Cytogenetic location: 1p36.13.
Variant type: Deletion.
Coding change: c.1179del on transcript NM_022089.4 (MANE Select); coding-DNA position 1179, one base deleted (A; older notation c.1179delA).
Protein change: p.Val394fs; shifts the reading frame from valine 394.
Molecular consequence: frameshift variant.
Genome position (GRCh38, 1-based): chr1:16,997,036, T deleted on the plus strand (A on the coding strand, the reverse complement: ATP13A2 is on the minus strand). VCF-style (leftmost placement, unchanged base first): chr1-16997035-CT-C. GRCh37 (hg19) VCF-style: chr1-17323530-CT-C.
Other names: c.1164del, p.Val389fs (NM_001141973.3, NM_001141974.3); c.1179delA (NM_022089.4); short protein forms V389fs, V394fs.
Identifiers: ClinVar variation 4845869 (VCV004845869.1).

ClinVar aggregate classification (germline): Likely pathogenic (1 of 4 stars; one submission).

Conditions:
Kufor-Rakeb syndrome (KRS). Also called: PARKINSON DISEASE 9, AUTOSOMAL RECESSIVE, JUVENILE-ONSET. Identifiers: Orphanet 306674, Orphanet 314632, MedGen C1847640, MONDO:0011706, OMIM 606693.
Autosomal recessive spastic paraplegia type 78. Identifiers: Orphanet 513436, MedGen C5567893, MONDO:0014975, OMIM 617225.

Submission:

First Genomix Gene Laboratory, Genetic Diagnostics Department
Classification: Likely pathogenic for Kufor-Rakeb syndrome; Autosomal recessive spastic paraplegia type 78. Last evaluated: 2025-03-18. Review status: criteria provided, single submitter. Criteria: ACMG Guidelines, 2015. Collection method: clinical testing. Allele origin: germline. Inheritance: Autosomal recessive inheritance. Affected: no. Observed: 1 variant allele.